The following is an entry in ClinVar:

ClinVar aggregate classification (germline): Likely pathogenic (1 of 4 stars; one submission).

Conditions:
Non-acquired combined pituitary hormone deficiency with spine abnormalities (CPHD3). Also called: Winkelman Bethge Pfeiffer syndrome; WBP syndrome; Combined pituitary hormone deficiency type 3. Identifiers: Orphanet 231720, MedGen C3489787, MONDO:0009091, OMIM 221750.

Submission:

Natera, Inc.
Classification: Likely pathogenic for Combined pituitary hormone deficiency type 3. Last evaluated: 2025-09-03. Review status: criteria provided, single submitter. Criteria: Natera Variant Classification Schema (03/2026). Collection method: clinical testing. Allele origin: germline.
Comment: The c.175A>T variant in LHX3 is a nonsense variant predicted to introduce a stop codon at amino acid 59. This variant is expected to result in nonsense mediated decay, truncation, or a dysfunctional protein product. This variant is rare in the general population with a frequency below the threshold expected for the associated phenotype(s). Given the available evidence, this variant is classified as Likely Pathogenic.

NM_178138.6(LHX3):c.160A>T (p.Lys54Ter)

Gene: LHX3 (LIM homeobox 3; minus strand). Cytogenetic location: 9q34.3.
Variant type: single nucleotide variant.
Coding change: c.160A>T on transcript NM_178138.6 (MANE Select); coding-DNA position 160, A replaced by T.
Protein change: p.Lys54Ter; replaces lysine 54 with a stop codon.
Molecular consequence: nonsense.
Genome position (GRCh38, 1-based): chr9:136,200,673, T>A on the plus strand (A>T on the coding strand, the complement: LHX3 is on the minus strand). VCF-style: chr9-136200673-T-A. GRCh37 (hg19) VCF-style: chr9-139092519-T-A.
Other names: c.127A>T, p.Lys43Ter (NM_001363746.1); c.175A>T, p.Lys59Ter (NM_014564.5); short protein forms K43*, K54*, K59*.
Identifiers: ClinVar variation 4815722 (VCV004815722.1).